The following is an entry in ClinVar:

NM_001352754.2(ARMC9):c.1120A>G (p.Arg374Gly)

Gene: ARMC9 (armadillo repeat containing 9; plus strand). Cytogenetic location: 2q37.1.
Variant type: single nucleotide variant.
Coding change: c.1120A>G on transcript NM_001352754.2 (MANE Select); coding-DNA position 1120, A replaced by G.
Protein change: p.Arg374Gly; replaces arginine 374 with glycine.
Molecular consequence: missense variant. On other transcripts: non-coding transcript variant (1).
Genome position (GRCh38, 1-based): chr2:231,270,982, A>G. VCF-style: chr2-231270982-A-G. GRCh37 (hg19) VCF-style: chr2-232135695-A-G.
Other names: c.1120A>G (NM_025139.3); c.1120A>G, p.Arg374Gly (NM_001271466.4, NM_001291656.2, NM_001352755.2 and 3 more transcripts); c.1021A>G, p.Arg341Gly (NM_001352757.2, NM_001352758.2); short protein forms R374G, R341G.
Identifiers: ClinVar variation 1473131 (VCV001473131.7), dbSNP rs149697104, ClinGen allele CA2160208.

ClinVar aggregate classification (germline): Uncertain significance. Review status: criteria provided, multiple submitters, no conflicts (2 of 4 stars). 2 submissions from 2 submitters: Uncertain significance (2). Last evaluated 2025-01-25.

Conditions:
Inborn genetic diseases. Identifiers: MedGen C0950123, MeSH D030342.

Allele frequency attached by ClinVar (database versions not stated): ESP Exome Variant Server 0.00008; ExAC 0.00001; gnomAD exomes 0.00001.
gnomAD v4.1: 12 of 1,614,042 alleles (0.00074%); highest among the groups gnomAD compares: Non-Finnish European, 0.00085%; no homozygotes.

Submissions (2):

Ambry Genetics
Classification: Uncertain significance for Inborn genetic diseases. Last evaluated: 2025-01-25. Review status: criteria provided, single submitter. Criteria: Ambry Variant Classification Scheme 2023. Collection method: clinical testing. Allele origin: germline.

Labcorp Genetics (formerly Invitae), Labcorp
Classification: Uncertain significance. Last evaluated: 2021-09-04. Review status: criteria provided, single submitter. Criteria: Invitae Variant Classification Sherloc (09022015). Collection method: clinical testing. Allele origin: germline.
Comment: This variant has not been reported in the literature in individuals affected with ARMC9-related conditions. Experimental studies and prediction algorithms are not available or were not evaluated, and the functional significance of this variant is currently unknown. In summary, the available evidence is currently insufficient to determine the role of this variant in disease. Therefore, it has been classified as a Variant of Uncertain Significance. This variant is present in population databases (rs149697104, ExAC 0.002%). This sequence change replaces arginine with glycine at codon 374 of the ARMC9 protein (p.Arg374Gly). The arginine residue is moderately conserved and there is a moderate physicochemical difference between arginine and glycine.